The following is an entry in ClinVar:

ClinVar aggregate classification (germline): Uncertain significance. Review status: criteria provided, multiple submitters, no conflicts (2 of 4 stars). 2 submissions from 2 submitters: Uncertain significance (2). Last evaluated 2025-10-04.

Conditions:
Cardiovascular phenotype. Identifiers: MedGen CN230736.
DiGeorge syndrome. Also called: THIRD AND FOURTH PHARYNGEAL POUCH SYNDROME; Catch22. Identifiers: Orphanet 567, MedGen C0012236, MONDO:0008564, OMIM 188400.

Allele frequency attached by ClinVar (database versions not stated): ExAC 0.00001; TOPMed 0.00001.

Submissions (2):

Labcorp Genetics (formerly Invitae), Labcorp
Classification: Uncertain significance for DiGeorge syndrome. Last evaluated: 2025-10-04. Review status: criteria provided, single submitter. Criteria: Invitae Variant Classification Sherloc (09022015). Collection method: clinical testing. Allele origin: germline.
Comment: This sequence change replaces glutamic acid, which is acidic and polar, with glutamine, which is neutral and polar, at codon 115 of the TBX1 protein (p.Glu115Gln). This variant is present in population databases (rs748995341, gnomAD 0.001%). This variant has not been reported in the literature in individuals affected with TBX1-related conditions. ClinVar contains an entry for this variant (Variation ID: 1731461). Invitae Evidence Modeling of protein sequence and biophysical properties (such as structural, functional, and spatial information, amino acid conservation, physicochemical variation, residue mobility, and thermodynamic stability) indicates that this missense variant is not expected to disrupt TBX1 protein function with a negative predictive value of 80%. In summary, the available evidence is currently insufficient to determine the role of this variant in disease. Therefore, it has been classified as a Variant of Uncertain Significance.

Ambry Genetics
Classification: Uncertain significance for Cardiovascular phenotype. Last evaluated: 2022-03-09. Review status: criteria provided, single submitter. Criteria: Ambry Variant Classification Scheme 2023. Collection method: clinical testing. Allele origin: germline.
Comment: The p.E115Q variant (also known as c.343G>C), located in coding exon 2 of the TBX1 gene, results from a G to C substitution at nucleotide position 343. The glutamic acid at codon 115 is replaced by glutamine, an amino acid with highly similar properties. This amino acid position is conserved. In addition, the in silico prediction for this alteration is inconclusive. Since supporting evidence is limited at this time, the clinical significance of this alteration remains unclear.

NM_001379200.1(TBX1):c.370G>C (p.Glu124Gln)

Gene: TBX1 (T-box transcription factor 1; plus strand). Cytogenetic location: 22q11.21.
Variant type: single nucleotide variant.
Coding change: c.370G>C on transcript NM_001379200.1 (MANE Select); coding-DNA position 370, G replaced by C.
Protein change: p.Glu124Gln; replaces glutamic acid 124 with glutamine.
Molecular consequence: missense variant.
Genome position (GRCh38, 1-based): chr22:19,761,213, G>C. VCF-style: chr22-19761213-G-C. GRCh37 (hg19) VCF-style: chr22-19748736-G-C.
Other names: c.343G>C, p.Glu115Gln (NM_005992.1, NM_080646.2, NM_080647.1); short protein forms E115Q, E124Q.
Identifiers: ClinVar variation 1731461 (VCV001731461.7), dbSNP rs748995341, ClinGen allele CA10102406.
Genomic context (GRCh38, chr22:19,761,213, plus strand): 5'-GCCGCAGCCAAGGCGCCGGTGAAGAAGAACGCGAAGGTGGCCGGTGTGAGCGTGCAGCTA[G>C]AGATGAAGGCGCTGTGGGACGAGTTCAACCAGCTGGGCACCGAGATGATCGTCACCAAGG-3'
Protein context (NP_001366129.1, residues 114-134): AKVAGVSVQL[Glu124Gln]MKALWDEFNQ